The following is an entry in ClinVar:

ClinVar aggregate classification (germline): Benign/Likely benign. Review status: criteria provided, multiple submitters, no conflicts (2 of 4 stars). 3 submissions from 3 submitters: Benign (1); Likely benign (2). Last evaluated 2025-10-17.

Allele frequency attached by ClinVar (database versions not stated): TOPMed 0.00006; ESP Exome Variant Server 0.00008; ExAC 0.00013; gnomAD 0.00014 and 0.00015.
gnomAD v4.1: 123 of 1,613,200 alleles (0.0076%); highest among the groups gnomAD compares: East Asian, 0.025%; no homozygotes.

Submissions (3):

Labcorp Genetics (formerly Invitae), Labcorp
Classification: Benign. Last evaluated: 2025-10-17. Review status: criteria provided, single submitter. Criteria: Invitae Variant Classification Sherloc (09022015). Collection method: clinical testing. Allele origin: germline.

CeGaT Center for Human Genetics Tuebingen
Classification: Likely benign. Last evaluated: 2023-02-01. Review status: criteria provided, single submitter. Criteria: CeGaT Center For Human Genetics Tuebingen Variant Classification Criteria Version 2. Collection method: clinical testing. Allele origin: germline. Affected: yes. Observed: 1 variant allele.
Comment: SCN3A: BP4, BP7

Blueprint Genetics
Classification: Likely benign. Last evaluated: 2022-03-18. Review status: criteria provided, single submitter. Criteria: ACMG Guidelines, 2015. Collection method: clinical testing. Allele origin: germline.

NM_006922.4(SCN3A):c.2181G>A (p.Pro727=)

Gene: SCN3A (sodium voltage-gated channel alpha subunit 3; minus strand). Cytogenetic location: 2q24.3.
Variant type: single nucleotide variant.
Coding change: c.2181G>A on transcript NM_006922.4 (MANE Select); coding-DNA position 2181, G replaced by A.
Protein change: p.Pro727=; no amino-acid change (proline 727 retained).
Molecular consequence: synonymous variant.
Genome position (GRCh38, 1-based): chr2:165,138,089, C>T on the plus strand (G>A on the coding strand, the complement: SCN3A is on the minus strand). VCF-style: chr2-165138089-C-T. GRCh37 (hg19) VCF-style: chr2-165994599-C-T.
Other names: c.2034G>A, p.Pro678= (NM_001081676.2, NM_001081677.2).
Identifiers: ClinVar variation 703271 (VCV000703271.35), dbSNP rs138350988, ClinGen allele CA1938994.